The following is an entry in ClinVar:

NM_001376.5(DYNC1H1):c.11811_11816del (p.Arg3937_Leu3938del)

Gene: DYNC1H1 (dynein cytoplasmic 1 heavy chain 1; plus strand). Cytogenetic location: 14q32.31.
Variant type: Deletion.
Coding change: c.11811_11816del on transcript NM_001376.5 (MANE Select); coding-DNA positions 11811 to 11816, 6 bases deleted (GCTGAG; older notation c.11811_11816delGCTGAG).
Protein change: p.Arg3937_Leu3938del.
Molecular consequence: inframe deletion. On other transcripts: inframe indel (1).
Genome position (GRCh38, 1-based): chr14:102,040,356-102,040,361, GCTGAG deleted; deleting any 6 consecutive bases within chr14:102,040,352-102,040,361 gives the same sequence; the c. name uses the placement nearest the transcript's 3' end. VCF-style (leftmost placement, unchanged base first): chr14-102040351-GTGAGGC-G. GRCh37 (hg19) VCF-style: chr14-102506688-GTGAGGC-G.
Other names: c.11811_11816delGCTGAG, p.Arg3937_Leu3938del (NM_001376.4).
Identifiers: ClinVar variation 3343768 (VCV003343768.1).

ClinVar aggregate classification (germline): Uncertain significance (1 of 4 stars; one submission).

Submission:

GeneDx
Classification: Uncertain significance. Last evaluated: 2023-05-24. Review status: criteria provided, single submitter. Criteria: GeneDx Variant Classification Process June 2021. Collection method: clinical testing. Allele origin: germline. Affected: yes.
Comment: Not observed at significant frequency in large population cohorts (gnomAD); In-frame deletion of 2 amino acids in a non-repeat region; In silico analysis supports that this variant does not alter protein structure/function; Has not been previously published as pathogenic or benign to our knowledge; This variant is associated with the following publications: (PMID: 26100331, 25609763, 25512093)